The following is an entry in ClinVar:

ClinVar aggregate classification (germline): Uncertain significance (1 of 4 stars; one submission).

Submission:

Labcorp Genetics (formerly Invitae), Labcorp
Classification: Uncertain significance. Last evaluated: 2024-12-18. Review status: criteria provided, single submitter. Criteria: Invitae Variant Classification Sherloc (09022015). Collection method: clinical testing. Allele origin: germline.
Comment: This sequence change replaces leucine, which is neutral and non-polar, with proline, which is neutral and non-polar, at codon 1172 of the POLE protein (p.Leu1172Pro). This variant is not present in population databases (gnomAD no frequency). This variant has not been reported in the literature in individuals affected with POLE-related conditions. Invitae Evidence Modeling of protein sequence and biophysical properties (such as structural, functional, and spatial information, amino acid conservation, physicochemical variation, residue mobility, and thermodynamic stability) has been performed for this missense variant. However, the output from this modeling did not meet the statistical confidence thresholds required to predict the impact of this variant on POLE protein function. In summary, the available evidence is currently insufficient to determine the role of this variant in disease. Therefore, it has been classified as a Variant of Uncertain Significance.

NM_006231.4(POLE):c.3515T>C (p.Leu1172Pro)

Gene: POLE (DNA polymerase epsilon, catalytic subunit; minus strand). Cytogenetic location: 12q24.33.
Variant type: single nucleotide variant.
Coding change: c.3515T>C on transcript NM_006231.4 (MANE Select); coding-DNA position 3515, T replaced by C.
Protein change: p.Leu1172Pro; replaces leucine 1172 with proline.
Molecular consequence: missense variant.
Genome position (GRCh38, 1-based): chr12:132,657,203, A>G on the plus strand (T>C on the coding strand, the complement: POLE is on the minus strand). VCF-style: chr12-132657203-A-G. GRCh37 (hg19) VCF-style: chr12-133233789-A-G.
Other names: short protein forms L1172P.
Identifiers: ClinVar variation 3666180 (VCV003666180.2).